The following is an entry in ClinVar:

NM_004415.4(DSP):c.5380-12C>A

Gene: DSP (desmoplakin; plus strand). Cytogenetic location: 6p24.3.
Variant type: single nucleotide variant.
Coding change: c.5380-12C>A on transcript NM_004415.4 (MANE Select); 12 bases into the intron before coding-DNA position 5380, C replaced by A.
Molecular consequence: intron variant.
Genome position (GRCh38, 1-based): chr6:7,582,630, C>A. VCF-style: chr6-7582630-C-A. GRCh37 (hg19) VCF-style: chr6-7582863-C-A.
Other names: c.4051-12C>A (NM_001319034.2); c.3583-12C>A (NM_001008844.3).
Identifiers: ClinVar variation 3071985 (VCV003071985.1), dbSNP rs1393661264, ClinGen allele CA2578524522.

ClinVar aggregate classification (germline): Uncertain significance (1 of 4 stars; one submission).

Conditions:
Arrhythmogenic cardiomyopathy with wooly hair and keratoderma. Also called: PALMOPLANTAR KERATODERMA WITH LEFT VENTRICULAR CARDIOMYOPATHY AND WOOLLY HAIR; Carvajal syndrome; Dilated cardiomyopathy with woolly hair and keratoderma; Arrhythmogenic cardiomyopathy with woolly hair and keratoderma. Identifiers: Orphanet 65282, MedGen C1854063, MONDO:0011581, OMIM 605676.

Submission:

All of Us Research Program, National Institutes of Health
Classification: Uncertain significance for Arrhythmogenic cardiomyopathy with wooly hair and keratoderma. Last evaluated: 2023-12-13. Review status: criteria provided, single submitter. Criteria: ACMG Guidelines, 2015. Collection method: clinical testing. Allele origin: germline. Inheritance: Autosomal dominant inheritance. Observed: 2 variant alleles, 2 heterozygotes.
Comment: This variant causes a C to A nucleotide substitution at the -12 position of intron 23 of the DSP gene. To our knowledge, functional studies have not been reported for this variant. This variant has not been reported in individuals affected with DSP-related disorders in the literature. This variant has not been identified in the general population by the Genome Aggregation Database (gnomAD). The available evidence is insufficient to determine the role of this variant in disease conclusively. Therefore, this variant is classified as a Variant of Uncertain Significance.

This study involves interpretation of variants in research participants for the purpose of population health screening. Participant phenotype was not available at the time of variant classification. Additional details can be found in publication PMID: 35346344, PMCID: PMC8962531